The following is an entry in ClinVar:

NM_005732.4(RAD50):c.334A>G (p.Lys112Glu)

Gene: RAD50 (RAD50 double strand break repair protein; plus strand). Cytogenetic location: 5q31.1.
Variant type: single nucleotide variant.
Coding change: c.334A>G on transcript NM_005732.4 (MANE Select); coding-DNA position 334, A replaced by G.
Protein change: p.Lys112Glu; replaces lysine 112 with glutamic acid.
Molecular consequence: missense variant.
Genome position (GRCh38, 1-based): chr5:132,575,897, A>G. VCF-style: chr5-132575897-A-G. GRCh37 (hg19) VCF-style: chr5-131911589-A-G.
Other names: short protein forms K112E.
Identifiers: ClinVar variation 484663 (VCV000484663.12), dbSNP rs1554097577, ClinGen allele CA360931314.

ClinVar aggregate classification (germline): Uncertain significance. Review status: criteria provided, multiple submitters, no conflicts (2 of 4 stars). 2 submissions from 2 submitters: Uncertain significance (2). Last evaluated 2025-06-19.

Conditions:
Hereditary cancer-predisposing syndrome. Also called: Neoplastic Syndromes, Hereditary; Tumor predisposition; Hereditary Cancer Syndrome; Hereditary neoplastic syndrome. Identifiers: Orphanet 140162, MedGen C0027672, MeSH D009386, MONDO:0015356.

Submissions (2):

Ambry Genetics
Classification: Uncertain significance for Hereditary cancer-predisposing syndrome. Last evaluated: 2025-06-19. Review status: criteria provided, single submitter. Criteria: Ambry Variant Classification Scheme 2023. Collection method: clinical testing. Allele origin: germline.
Comment: The p.K112E variant (also known as c.334A>G), located in coding exon 3 of the RAD50 gene, results from an A to G substitution at nucleotide position 334. The lysine at codon 112 is replaced by glutamic acid, an amino acid with similar properties. This amino acid position is highly conserved in available vertebrate species. In addition, this alteration is predicted to be deleterious by in silico analysis. Since supporting evidence is limited at this time, the clinical significance of this alteration remains unclear.

Labcorp Genetics (formerly Invitae), Labcorp
Classification: Uncertain significance for Hereditary cancer-predisposing syndrome. Last evaluated: 2023-02-18. Review status: criteria provided, single submitter. Criteria: Invitae Variant Classification Sherloc (09022015). Collection method: clinical testing. Allele origin: germline.
Comment: In summary, the available evidence is currently insufficient to determine the role of this variant in disease. Therefore, it has been classified as a Variant of Uncertain Significance. Advanced modeling of protein sequence and biophysical properties (such as structural, functional, and spatial information, amino acid conservation, physicochemical variation, residue mobility, and thermodynamic stability) performed at Invitae indicates that this missense variant is expected to disrupt RAD50 protein function. ClinVar contains an entry for this variant (Variation ID: 484663). This variant has not been reported in the literature in individuals affected with RAD50-related conditions. This variant is not present in population databases (gnomAD no frequency). This sequence change replaces lysine, which is basic and polar, with glutamic acid, which is acidic and polar, at codon 112 of the RAD50 protein (p.Lys112Glu).